The following is an entry in ClinVar:

ClinVar aggregate classification (germline): Uncertain significance (1 of 4 stars; one submission).

Allele frequency attached by ClinVar (database versions not stated): gnomAD 0.00001; TOPMed 0.00001.
gnomAD v4.1: 4 of 1,613,932 alleles (0.00025%); highest among the groups gnomAD compares: African/African-American, 0.0027%; no homozygotes.

Submission:

GeneDx
Classification: Uncertain significance. Last evaluated: 2023-06-11. Review status: criteria provided, single submitter. Criteria: GeneDx Variant Classification Process June 2021. Collection method: clinical testing. Allele origin: germline. Affected: yes.
Comment: Has not been previously published as pathogenic or benign to our knowledge; In silico analysis supports that this missense variant has a deleterious effect on protein structure/function; Not observed at significant frequency in large population cohorts (gnomAD)

NM_005763.4(AASS):c.799C>T (p.Arg267Cys)

Gene: AASS (aminoadipate-semialdehyde synthase; minus strand). Cytogenetic location: 7q31.32.
Variant type: single nucleotide variant.
Coding change: c.799C>T on transcript NM_005763.4 (MANE Select); coding-DNA position 799, C replaced by T.
Protein change: p.Arg267Cys; replaces arginine 267 with cysteine.
Molecular consequence: missense variant.
Genome position (GRCh38, 1-based): chr7:122,116,728, G>A on the plus strand (C>T on the coding strand, the complement: AASS is on the minus strand). VCF-style: chr7-122116728-G-A. GRCh37 (hg19) VCF-style: chr7-121756782-G-A.
Other names: short protein forms R267C.
Identifiers: ClinVar variation 1312232 (VCV001312232.3), dbSNP rs1795195895, ClinGen allele CA369017965.